The following is an entry in ClinVar:

NM_002528.7(NTHL1):c.102A>T (p.Arg34Ser)

Gene: NTHL1 (nth like DNA glycosylase 1; minus strand). Cytogenetic location: 16p13.3.
Variant type: single nucleotide variant.
Coding change: c.102A>T on transcript NM_002528.7 (MANE Select); coding-DNA position 102, A replaced by T.
Protein change: p.Arg34Ser; replaces arginine 34 with serine.
Molecular consequence: missense variant. On other transcripts: 5 prime UTR variant (1).
Genome position (GRCh38, 1-based): chr16:2,047,722, T>A on the plus strand (A>T on the coding strand, the complement: NTHL1 is on the minus strand). VCF-style: chr16-2047722-T-A. GRCh37 (hg19) VCF-style: chr16-2097723-T-A.
Other names: c.102A>T, p.Arg34Ser (NM_001318193.2, LRG_1366t1); c.-77A>T (NM_001318194.2); short protein forms R34S.
Identifiers: ClinVar variation 648003 (VCV000648003.21), dbSNP rs527315265, ClinGen allele CA027426.

ClinVar aggregate classification (germline): Conflicting classifications of pathogenicity. Review status: criteria provided, conflicting classifications (1 of 4 stars). 5 submissions from 5 submitters: Uncertain significance (4); Likely benign (1). Last evaluated 2026-01-25.

Conditions:
Familial adenomatous polyposis 3. Also called: NTHL1-associated polyposis; NTHL1-related attenuated familial adenomatous polyposis; NTHL1-Related Adenomatous Polyposis and Colorectal Cancer; NTHL1 Tumor Syndrome. Identifiers: Orphanet 220460, Orphanet 454840, MedGen C4225157, MONDO:0014630, OMIM 616415.
Hereditary cancer-predisposing syndrome. Also called: Neoplastic Syndromes, Hereditary; Hereditary Cancer Syndrome; Tumor predisposition; Hereditary neoplastic syndrome. Identifiers: Orphanet 140162, MedGen C0027672, MeSH D009386, MONDO:0015356.

Allele frequency attached by ClinVar (database versions not stated): TOPMed below 0.00001; gnomAD 0.00001 and 0.00002; gnomAD exomes 0.00002; ExAC 0.00006; 1000 Genomes Project 0.00020; 1000 Genomes Project 30x 0.00031.
gnomAD v4.1: 28 of 1,583,298 alleles (0.0018%); highest among the groups gnomAD compares: African/African-American, 0.0027%; no homozygotes.

Submissions (5):

Labcorp Genetics (formerly Invitae), Labcorp
Classification: Uncertain significance. Last evaluated: 2026-01-25. Review status: criteria provided, single submitter. Criteria: Invitae Variant Classification Sherloc (09022015). Collection method: clinical testing. Allele origin: germline.
Comment: This sequence change replaces arginine, which is basic and polar, with serine, which is neutral and polar, at codon 42 of the NTHL1 protein (p.Arg42Ser). This variant is present in population databases (rs527315265, gnomAD 0.005%). This variant has not been reported in the literature in individuals affected with NTHL1-related conditions. ClinVar contains an entry for this variant (Variation ID: 648003). An algorithm developed to predict the effect of missense changes on protein structure and function (PolyPhen-2) suggests that this variant is likely to be tolerated. RNA analysis performed to evaluate the impact of this missense change on mRNA splicing indicates it does not significantly alter splicing (internal data). In summary, the available evidence is currently insufficient to determine the role of this variant in disease. Therefore, it has been classified as a Variant of Uncertain Significance.

Ambry Genetics
Classification: Likely benign for Hereditary cancer-predisposing syndrome. Last evaluated: 2025-07-09. Review status: criteria provided, single submitter. Criteria: Ambry Variant Classification Scheme 2023. Collection method: clinical testing. Allele origin: germline.

Fulgent Genetics
Classification: Uncertain significance for Familial adenomatous polyposis 3. Last evaluated: 2024-01-17. Review status: criteria provided, single submitter. Criteria: ACMG Guidelines, 2015. Collection method: clinical testing. Allele origin: germline.

Baylor Genetics
Classification: Uncertain significance for Familial adenomatous polyposis 3. Last evaluated: 2023-12-19. Review status: criteria provided, single submitter. Criteria: ACMG Guidelines, 2015. Collection method: clinical testing. Allele origin: unknown.

GeneDx
Classification: Uncertain significance. Last evaluated: 2022-07-08. Review status: criteria provided, single submitter. Criteria: GeneDx Variant Classification Process June 2021. Collection method: clinical testing. Allele origin: germline. Affected: yes.
Comment: Not observed at significant frequency in large population cohorts (gnomAD); In silico analysis, which includes protein predictors and evolutionary conservation, supports that this variant does not alter protein structure/function; Has not been previously published as pathogenic or benign to our knowledge